The following is an entry in ClinVar:

NM_001077415.3(CRELD1):c.1000G>A (p.Glu334Lys)

Gene: CRELD1 (CRELD disulfide isomerase 1; plus strand). Cytogenetic location: 3p25.3.
Variant type: single nucleotide variant.
Coding change: c.1000G>A on transcript NM_001077415.3 (MANE Select); coding-DNA position 1000, G replaced by A.
Protein change: p.Glu334Lys; replaces glutamic acid 334 with lysine.
Molecular consequence: missense variant. On other transcripts: non-coding transcript variant (3).
Genome position (GRCh38, 1-based): chr3:9,943,467, G>A. VCF-style: chr3-9943467-G-A. GRCh37 (hg19) VCF-style: chr3-9985151-G-A.
Other names: c.1000G>A, p.Glu334Lys (NM_001031717.4, NM_001374316.1, NM_001374317.1 and 2 more transcripts); c.916G>A, p.Glu306Lys (NM_001374319.1, NM_001374320.1); short protein forms E306K, E334K.
Identifiers: ClinVar variation 1397618 (VCV001397618.6), dbSNP rs147685991, ClinGen allele CA2247889.

ClinVar aggregate classification (germline): Uncertain significance (1 of 4 stars; one submission).

Conditions:
Atrioventricular septal defect, susceptibility to, 2. Identifiers: MedGen C1853508, MONDO:0011650, OMIM 606217.

gnomAD v4.1: 16 of 1,614,066 alleles (0.00099%); highest among the groups gnomAD compares: East Asian, 0.0022%; no homozygotes.

Submission:

Labcorp Genetics (formerly Invitae), Labcorp
Classification: Uncertain significance for Atrioventricular septal defect, susceptibility to, 2. Last evaluated: 2021-11-14. Review status: criteria provided, single submitter. Criteria: Invitae Variant Classification Sherloc (09022015). Collection method: clinical testing. Allele origin: germline.
Comment: In summary, the available evidence is currently insufficient to determine the role of this variant in disease. Therefore, it has been classified as a Variant of Uncertain Significance. Algorithms developed to predict the effect of missense changes on protein structure and function (SIFT, PolyPhen-2, Align-GVGD) all suggest that this variant is likely to be tolerated. This variant has not been reported in the literature in individuals affected with CRELD1-related conditions. This variant is present in population databases (rs147685991, gnomAD 0.003%). This sequence change replaces glutamic acid, which is acidic and polar, with lysine, which is basic and polar, at codon 334 of the CRELD1 protein (p.Glu334Lys).